The following is an entry in ClinVar:

NM_001267550.2(TTN):c.62922del (p.Lys20974_Val20975insTer)

Genes: TTN-AS1 (TTN antisense RNA 1; plus strand), TTN (titin; minus strand). Cytogenetic location: 2q31.2.
Variant type: Deletion.
Coding change: c.62922del on transcript NM_001267550.2 (MANE Select); coding-DNA position 62922, one base deleted (A; older notation c.62922delA).
Protein change: p.Lys20974_Val20975insTer.
Molecular consequence: frameshift variant.
Genome position (GRCh38, 1-based): chr2:178,588,803, T deleted on the plus strand (A on the coding strand, the reverse complement: TTN is on the minus strand); the first of 3 consecutive T bases (chr2:178,588,803-178,588,805); deleting any one gives the same sequence. VCF-style (leftmost placement, unchanged base first): chr2-178588802-CT-C. GRCh37 (hg19) VCF-style: chr2-179453529-CT-C.
Other names: c.57999del, p.Lys19333_Val19334insTer (NM_001256850.1); c.35727del, p.Lys11909_Val11910insTer (NM_003319.4); c.55218del, p.Lys18406_Val18407insTer (NM_133378.4); c.36102del, p.Lys12034_Val12035insTer (NM_133432.3); c.36303del, p.Lys12101_Val12102insTer (NM_133437.4).
Identifiers: ClinVar variation 1477651 (VCV001477651.6), dbSNP rs2154183349, ClinGen allele CA2573133761.

ClinVar aggregate classification (germline): Likely pathogenic (1 of 4 stars; one submission).

Conditions:
Dilated cardiomyopathy 1G (CMD1G). Identifiers: Orphanet 154, MedGen C1858763, MONDO:0011400, OMIM 604145.
Autosomal recessive limb-girdle muscular dystrophy type 2J (LGMDR10). Also called: MUSCULAR DYSTROPHY, LIMB-GIRDLE, AUTOSOMAL RECESSIVE 10; Limb-girdle muscular dystrophy, type 2J. Identifiers: Orphanet 140922, MedGen C1837342, MONDO:0012127, OMIM 608807.

Submission:

Labcorp Genetics (formerly Invitae), Labcorp
Classification: Likely pathogenic for Dilated cardiomyopathy 1G; Autosomal recessive limb-girdle muscular dystrophy type 2J. Last evaluated: 2025-05-13. Review status: criteria provided, single submitter. Criteria: Invitae Variant Classification Sherloc (09022015). Collection method: clinical testing. Allele origin: germline.
Comment: This sequence change creates a premature translational stop signal (p.Val20975*) in the TTN gene. While this is not anticipated to result in nonsense mediated decay, it is expected to create a truncated TTN protein. This variant is not present in population databases (gnomAD no frequency). This variant has not been reported in the literature in individuals affected with TTN-related conditions. ClinVar contains an entry for this variant (Variation ID: 1477651). This variant is located in the A band of TTN (PMID: 25589632). Truncating variants in this region are significantly overrepresented in patients affected with dilated cardiomyopathy (PMID: 25589632). Truncating variants in this region have also been reported in individuals affected with autosomal recessive centronuclear myopathy (PMID: 23975875). In summary, the currently available evidence indicates that the variant is pathogenic, but additional data are needed to prove that conclusively. Therefore, this variant has been classified as Likely Pathogenic.

Literature cited by the submitters: PubMed 25589632; PubMed 23975875.